The following is an entry in ClinVar:

ClinVar aggregate classification (germline): Uncertain significance (1 of 4 stars; one submission).

gnomAD v4.1: 1 of 1,614,180 alleles (0.000062%); highest among the groups gnomAD compares: Non-Finnish European, 0.000085%; no homozygotes.

Submission:

Labcorp Genetics (formerly Invitae), Labcorp
Classification: Uncertain significance. Last evaluated: 2025-12-02. Review status: criteria provided, single submitter. Criteria: Invitae Variant Classification Sherloc (09022015). Collection method: clinical testing. Allele origin: germline.
Comment: This sequence change replaces proline, which is neutral and non-polar, with leucine, which is neutral and non-polar, at codon 2621 of the COL7A1 protein (p.Pro2621Leu). This variant is not present in population databases (gnomAD no frequency). This variant has not been reported in the literature in individuals affected with COL7A1-related conditions. Invitae Evidence Modeling of protein sequence and biophysical properties (such as structural, functional, and spatial information, amino acid conservation, physicochemical variation, residue mobility, and thermodynamic stability) indicates that this missense variant is not expected to disrupt COL7A1 protein function with a negative predictive value of 95%. In summary, the available evidence is currently insufficient to determine the role of this variant in disease. Therefore, it has been classified as a Variant of Uncertain Significance.

NM_000094.4(COL7A1):c.7862C>T (p.Pro2621Leu)

Gene: COL7A1 (collagen type VII alpha 1 chain; minus strand). Cytogenetic location: 3p21.31.
Variant type: single nucleotide variant.
Coding change: c.7862C>T on transcript NM_000094.4 (MANE Select); coding-DNA position 7862, C replaced by T.
Protein change: p.Pro2621Leu; replaces proline 2621 with leucine.
Molecular consequence: missense variant.
Genome position (GRCh38, 1-based): chr3:48,568,103, G>A on the plus strand (C>T on the coding strand, the complement: COL7A1 is on the minus strand). VCF-style: chr3-48568103-G-A. GRCh37 (hg19) VCF-style: chr3-48605536-G-A.
Other names: short protein forms P2621L.
Identifiers: ClinVar variation 4801655 (VCV004801655.1).
Genomic context (GRCh38, chr3:48,568,103, plus strand): 5'-ATTAGGCCTTCCTGACCAGAAAAAAACCAATCTTGTTTCTTTCCTACCTTGAGGCCCCGG[G>A]GACCCATGAAGCCAACATCTCCTTTTTCTCCTCGGATACCAGGCACTCCATCCTTTCCTG-3'
Protein context (NP_000085.1, residues 2611-2631): GEKGDVGFMG[Pro2621Leu]RGLKGERGVK